The following is an entry in ClinVar:

ClinVar aggregate classification (germline): Pathogenic (1 of 4 stars; one submission).

Submission:

Labcorp Genetics (formerly Invitae), Labcorp
Classification: Pathogenic. Last evaluated: 2022-07-05. Review status: criteria provided, single submitter. Criteria: Invitae Variant Classification Sherloc (09022015). Collection method: clinical testing. Allele origin: germline.
Comment: This sequence change creates a premature translational stop signal (p.Leu62Trpfs*3) in the P4HTM gene. It is expected to result in an absent or disrupted protein product. Loss-of-function variants in P4HTM are known to be pathogenic (PMID: 30940925). This variant is not present in population databases (gnomAD no frequency). This variant has not been reported in the literature in individuals affected with P4HTM-related conditions. For these reasons, this variant has been classified as Pathogenic.

Literature cited by the submitters: PubMed 30940925.

NM_177939.3(P4HTM):c.184del (p.Leu62fs)

Genes: P4HTM (prolyl 4-hydroxylase, transmembrane; plus strand), LOC129936725 (ATAC-STARR-seq lymphoblastoid silent region 14344; plus strand). Cytogenetic location: 3p21.31.
Variant type: Deletion.
Coding change: c.184del on transcript NM_177939.3 (MANE Select); coding-DNA position 184, one base deleted (C; older notation c.184delC).
Protein change: p.Leu62fs; shifts the reading frame from leucine 62.
Molecular consequence: frameshift variant.
Genome position (GRCh38, 1-based): chr3:48,990,440, C deleted; the last of 2 consecutive C bases (chr3:48,990,439-48,990,440); deleting either gives the same sequence. VCF-style (leftmost placement, unchanged base first): chr3-48990438-TC-T. GRCh37 (hg19) VCF-style: chr3-49027871-TC-T.
Other names: c.184del, p.Leu62fs (NM_177938.2); short protein forms L62fs.
Identifiers: ClinVar variation 2148228 (VCV002148228.1), dbSNP rs2471528764, ClinGen allele CA2580069962.